The following is an entry in ClinVar:

NM_022051.3(EGLN1):c.14G>A (p.Ser5Asn)

Gene: EGLN1 (egl-9 family hypoxia inducible factor 1; minus strand). Cytogenetic location: 1q42.2.
Variant type: single nucleotide variant.
Coding change: c.14G>A on transcript NM_022051.3 (MANE Select); coding-DNA position 14, G replaced by A.
Protein change: p.Ser5Asn; replaces serine 5 with asparagine.
Molecular consequence: missense variant.
Genome position (GRCh38, 1-based): chr1:231,421,875, C>T on the plus strand (G>A on the coding strand, the complement: EGLN1 is on the minus strand). VCF-style: chr1-231421875-C-T. GRCh37 (hg19) VCF-style: chr1-231557621-C-T.
Other names: c.14G>A, p.Ser5Asn (NM_001377260.1, NM_001377261.1); short protein forms S5N.
Identifiers: ClinVar variation 3507212 (VCV003507212.1).
Genomic context (GRCh38, chr1:231,421,875, plus strand): 5'-CCGCACAGCTCGCAGTACTGCCGGTCTCGCTCGCTCGGGCTCGGCCCGCCGGGCCCGCCG[C>T]TGTCATTGGCCATGGCGGCGGCGGCGGCGGCGACGGCGACTGCGGCGGCCGAGCAGGAGG-3'
Protein context (NP_071334.1, residues 1-15): MAND[Ser5Asn]GGPGGPSPSE

ClinVar aggregate classification (germline): Uncertain significance (1 of 4 stars; one submission).

Submission:

Ambry Genetics
Classification: Uncertain significance. Last evaluated: 2024-07-26. Review status: criteria provided, single submitter. Criteria: Ambry Variant Classification Scheme 2023. Collection method: clinical testing. Allele origin: germline.
Comment: The p.S5N variant (also known as c.14G>A), located in coding exon 1 of the EGLN1 gene, results from a G to A substitution at nucleotide position 14. The serine at codon 5 is replaced by asparagine, an amino acid with highly similar properties. This amino acid position is conserved. In addition, this alteration is predicted to be tolerated by in silico analysis. Based on the available evidence, the clinical significance of this variant remains unclear.